The following is an entry in ClinVar:

NM_006767.4(LZTR1):c.1226del (p.Asn409fs)

Gene: LZTR1 (leucine zipper like post translational regulator 1; plus strand). Cytogenetic location: 22q11.21.
Variant type: Deletion.
Coding change: c.1226del on transcript NM_006767.4 (MANE Select); coding-DNA position 1226, one base deleted (A; older notation c.1226delA).
Protein change: p.Asn409fs; shifts the reading frame from asparagine 409.
Molecular consequence: frameshift variant.
Genome position (GRCh38, 1-based): chr22:20,992,870, A deleted; the last of 2 consecutive A bases (chr22:20,992,869-20,992,870); deleting either gives the same sequence. VCF-style (leftmost placement, unchanged base first): chr22-20992868-CA-C. GRCh37 (hg19) VCF-style: chr22-21347157-CA-C.
Other names: short protein forms N409fs.
Identifiers: ClinVar variation 1754316 (VCV001754316.2), dbSNP rs2518618895, ClinGen allele CA2580099240.
Genomic context (GRCh38, chr22:20,992,868, plus strand): 5'-GCTCTTCCACGCGGCTGCTGTCATCTCGGACGCCATGTACATCTTCGGGGGCACGGTGGA[CA>C]ACAACATCCGCAGCGGGGAGATGTACAGGTTCCAGGTGTGGGGCCTGTGGGCCTGTAGAG-3'

ClinVar aggregate classification (germline): Pathogenic (1 of 4 stars; one submission).

Conditions:
Cardiovascular phenotype. Identifiers: MedGen CN230736.
Hereditary cancer-predisposing syndrome. Also called: Neoplastic Syndromes, Hereditary; Tumor predisposition; Hereditary Cancer Syndrome; Hereditary neoplastic syndrome. Identifiers: Orphanet 140162, MedGen C0027672, MeSH D009386, MONDO:0015356.

Submission:

Ambry Genetics
Classification: Pathogenic for Cardiovascular phenotype; Hereditary cancer-predisposing syndrome. Last evaluated: 2022-09-30. Review status: criteria provided, single submitter. Criteria: Ambry Variant Classification Scheme 2023. Collection method: clinical testing. Allele origin: germline.
Comment: The c.1226delA pathogenic mutation, located in coding exon 11 of the LZTR1 gene, results from a deletion of one nucleotide at nucleotide position 1226, causing a translational frameshift with a predicted alternate stop codon (p.N409Tfs*52). This alteration is expected to result in loss of function by premature protein truncation or nonsense-mediated mRNA decay. Loss-of-function variants in LZTR1 are related to an increased risk for schwannomas and autosomal recessive Noonan syndrome; however, such associations with autosomal dominant Noonan syndrome have not been observed (Piotrowski A et al. Nat Genet. 2014 Feb;46:182-7; Yamamoto GL et al. J Med Genet. 2015 Jun;52:413-21; Johnston JJ et al. Genet Med. 2018 10;20:1175-1185). Based on the supporting evidence, this variant is pathogenic for an increased risk of LZTR1-related schwannomatosis (SWN) and would be expected to cause autosomal recessive Noonan syndrome when present along with a second pathogenic or likely pathogenic variant on the other allele; however, the association of this alteration with autosomal dominant Noonan syndrome is unlikely.